The following is an entry in ClinVar:

NC_000022.11:g.40346483G>A

Gene: ADSL (adenylosuccinate lyase; plus strand). Cytogenetic location: 22q13.1.
Variant type: single nucleotide variant.
Genome position: GRCh38 VCF-style: chr22-40346483-G-A. GRCh37 (hg19) VCF-style: chr22-40742487-G-A.
Identifiers: ClinVar variation 1465082 (VCV001465082.6), dbSNP rs892749175, ClinGen allele CA914694671.

ClinVar aggregate classification (germline): Uncertain significance (1 of 4 stars; one submission).

Conditions:
Adenylosuccinate lyase deficiency (ADSLD). Also called: ADSL DEFICIENCY. Identifiers: Orphanet 46, MedGen C0268126, MONDO:0007068, OMIM 103050.

Allele frequency attached by ClinVar (database versions not stated): TOPMed below 0.00001.

Submission:

Labcorp Genetics (formerly Invitae), Labcorp
Classification: Uncertain significance for Adenylosuccinate lyase deficiency. Last evaluated: 2022-11-15. Review status: criteria provided, single submitter. Criteria: Invitae Variant Classification Sherloc (09022015). Collection method: clinical testing. Allele origin: germline.
Comment: This variant occurs in a non-coding region of the ADSL gene. It does not change the encoded amino acid sequence of the ADSL protein. In summary, the available evidence is currently insufficient to determine the role of this variant in disease. Therefore, it has been classified as a Variant of Uncertain Significance. Experimental studies and prediction algorithms are not available or were not evaluated, and the functional significance of this variant is currently unknown. This variant has not been reported in the literature in individuals affected with ADSL-related conditions. This variant is not present in population databases (gnomAD no frequency).